The following is an entry in ClinVar:

NM_001007228.2(SPOP):c.590C>G (p.Ser197Cys)

Gene: SPOP (speckle type BTB/POZ protein; minus strand). Cytogenetic location: 17q21.33.
Variant type: single nucleotide variant.
Coding change: c.590C>G on transcript NM_001007228.2 (MANE Select); coding-DNA position 590, C replaced by G.
Protein change: p.Ser197Cys; replaces serine 197 with cysteine.
Molecular consequence: missense variant.
Genome position (GRCh38, 1-based): chr17:49,611,348, G>C on the plus strand (C>G on the coding strand, the complement: SPOP is on the minus strand). VCF-style: chr17-49611348-G-C. GRCh37 (hg19) VCF-style: chr17-47688710-G-C.
Other names: c.590C>G, p.Ser197Cys (NM_001007226.1, NM_001007227.1, NM_001007229.1 and 5 more transcripts); short protein forms S197C.
Identifiers: ClinVar variation 3363544 (VCV003363544.1).

ClinVar aggregate classification (germline): Uncertain significance (1 of 4 stars; one submission).

gnomAD v4.1: 2 of 1,614,146 alleles (0.00012%); highest among the groups gnomAD compares: Non-Finnish European, 0.00017%; no homozygotes.

Submission:

GeneDx
Classification: Uncertain significance. Last evaluated: 2023-10-31. Review status: criteria provided, single submitter. Criteria: GeneDx Variant Classification Process June 2021. Collection method: clinical testing. Allele origin: germline. Affected: yes.
Comment: Not observed at significant frequency in large population cohorts (gnomAD); In silico analysis supports that this missense variant has a deleterious effect on protein structure/function; Has not been previously published as pathogenic or benign to our knowledge